The following is an entry in ClinVar:

ClinVar aggregate classification (germline): Uncertain significance. Review status: criteria provided, single submitter (1 of 4 stars). 2 submissions from 2 submitters: Uncertain significance (1). 1 of the submissions does not count toward it. Last evaluated 2025-03-25.

Conditions:
BRCA2-related disorder. Also called: BRCA2-related disorders; BRCA2-related condition. Identifiers: MedGen CN239275.

Submissions (2):

Quest Diagnostics Nichols Institute San Juan Capistrano
Classification: Uncertain significance. Last evaluated: 2025-03-25. Review status: criteria provided, single submitter. Criteria: Quest Diagnostics criteria. Collection method: clinical testing. Allele origin: unknown.
Comment: The BRCA2 c.2673C>T (p.Val891=) synonymous variant has not been reported in individuals with BRCA2-related conditions in the published literature. It also has not been reported in large, multi-ethnic general populations (Genome Aggregation Database). Analysis of this variant using software algorithms for the prediction of the effect of nucleotide changes on splicing yielded predictions that this variant does not affect BRCA2 mRNA splicing. Based on the available information, we are unable to determine the clinical significance of this variant.

PreventionGenetics, part of Exact Sciences
Classification: Likely benign for BRCA2-related condition. Last evaluated: 2024-04-09. Review status: no assertion criteria provided. Collection method: clinical testing. Allele origin: germline. Not counted in ClinVar's aggregate classification.
Comment: This variant is classified as likely benign based on ACMG/AMP sequence variant interpretation guidelines (Richards et al. 2015 PMID: 25741868, with internal and published modifications).

NM_000059.4(BRCA2):c.2673C>T (p.Val891=)

Gene: BRCA2 (BRCA2 DNA repair associated; plus strand). Cytogenetic location: 13q13.1.
Variant type: single nucleotide variant.
Coding change: c.2673C>T on transcript NM_000059.4 (MANE Select); coding-DNA position 2673, C replaced by T.
Protein change: p.Val891=; no amino-acid change (valine 891 retained).
Molecular consequence: synonymous variant. On other transcripts: non-coding transcript variant (1), intron variant (2).
Genome position (GRCh38, 1-based): chr13:32,337,028, C>T. VCF-style: chr13-32337028-C-T. GRCh37 (hg19) VCF-style: chr13-32911165-C-T.
Other names: c.2673C>T, p.Val891= (NM_001406719.1, NM_001406720.1, NM_001432077.1); c.1909+3641C>T (NM_001406721.1); c.424+5998C>T (NM_001406722.1).
Identifiers: ClinVar variation 3344590 (VCV003344590.2).